The following is an entry in ClinVar:

NM_152383.5(DIS3L2):c.1600G>A (p.Gly534Arg)

Gene: DIS3L2 (DIS3 like 3'-5' exoribonuclease 2; plus strand). Cytogenetic location: 2q37.1.
Variant type: single nucleotide variant.
Coding change: c.1600G>A on transcript NM_152383.5 (MANE Select); coding-DNA position 1600, G replaced by A.
Protein change: p.Gly534Arg; replaces glycine 534 with arginine.
Molecular consequence: missense variant. On other transcripts: non-coding transcript variant (2), intron variant (1).
Genome position (GRCh38, 1-based): chr2:232,263,381, G>A. VCF-style: chr2-232263381-G-A. GRCh37 (hg19) VCF-style: chr2-233128091-G-A.
Other names: c.1581+19G>A (NM_001257281.2); short protein forms G534R.
Identifiers: ClinVar variation 410750 (VCV000410750.10), dbSNP rs375517001, ClinGen allele CA2164203.

ClinVar aggregate classification (germline): Conflicting classifications of pathogenicity. Review status: criteria provided, conflicting classifications (1 of 4 stars). 3 submissions from 3 submitters: Uncertain significance (2); Likely benign (1). Last evaluated 2025-09-08.

Conditions:
Inborn genetic diseases. Identifiers: MedGen C0950123, MeSH D030342.
Perlman syndrome (PRLMNS). Identifiers: Orphanet 2849, MedGen C0796113, MONDO:0009965, OMIM 267000.

Allele frequency attached by ClinVar (database versions not stated): gnomAD 0.00002; gnomAD exomes 0.00002 and 0.00006; TOPMed 0.00004; ExAC 0.00007; ESP Exome Variant Server 0.00008.
gnomAD v4.1: 30 of 1,614,070 alleles (0.0019%); highest among the groups gnomAD compares: East Asian, 0.016%; 1 homozygote.

Submissions (3):

Labcorp Genetics (formerly Invitae), Labcorp
Classification: Uncertain significance for Perlman syndrome. Last evaluated: 2025-09-08. Review status: criteria provided, single submitter. Criteria: Invitae Variant Classification Sherloc (09022015). Collection method: clinical testing. Allele origin: germline.
Comment: This sequence change replaces glycine, which is neutral and non-polar, with arginine, which is basic and polar, at codon 534 of the DIS3L2 protein (p.Gly534Arg). This variant is present in population databases (rs375517001, gnomAD 0.05%). This variant has not been reported in the literature in individuals affected with DIS3L2-related conditions. ClinVar contains an entry for this variant (Variation ID: 410750). Invitae Evidence Modeling of protein sequence and biophysical properties (such as structural, functional, and spatial information, amino acid conservation, physicochemical variation, residue mobility, and thermodynamic stability) indicates that this missense variant is not expected to disrupt DIS3L2 protein function with a negative predictive value of 80%. RNA analysis performed to evaluate the impact of this missense change on mRNA splicing indicates it does not significantly alter splicing (internal data). In summary, the available evidence is currently insufficient to determine the role of this variant in disease. Therefore, it has been classified as a Variant of Uncertain Significance.

Ambry Genetics
Classification: Likely benign for Inborn genetic diseases. Last evaluated: 2024-05-20. Review status: criteria provided, single submitter. Criteria: Ambry Variant Classification Scheme 2023. Collection method: clinical testing. Allele origin: germline.

Fulgent Genetics
Classification: Uncertain significance for Perlman syndrome. Last evaluated: 2024-03-05. Review status: criteria provided, single submitter. Criteria: ACMG Guidelines, 2015. Collection method: clinical testing. Allele origin: germline.